The following is an entry in ClinVar:

ClinVar aggregate classification (germline): Pathogenic (1 of 4 stars; one submission).

Conditions:
Maple syrup urine disease type 2 (MSUD2). Also called: Maple syrup urine disease, type II. Identifiers: MedGen C1855371, MONDO:0023693, OMIM 620699.

Submission:

Myriad Genetics, Inc.
Classification: Pathogenic for Maple syrup urine disease type 2. Last evaluated: 2023-12-10. Review status: criteria provided, single submitter. Criteria: Myriad Autosomal Dominant, Autosomal Recessive and X-Linked Classification Criteria (2023). Collection method: clinical testing. Allele origin: unknown.
Comment: NM_001918.3(DBT):c.64delT(Y22Ifs*11) is expected to be pathogenic in the context of maple syrup urine disease type II. This variant is predicted to lead to an abnormal or absent protein product due to the creation of a premature termination codon in DBT, a gene where loss-of-function variants are known to be pathogenic. Please note: this variant was assessed in the context of healthy population screening.

NM_001918.5(DBT):c.64del (p.Tyr22fs)

Gene: DBT (dihydrolipoamide branched chain transacylase E2; minus strand). Cytogenetic location: 1p21.2.
Variant type: Deletion.
Coding change: c.64del on transcript NM_001918.5 (MANE Select); coding-DNA position 64, one base deleted (T; older notation c.64delT).
Protein change: p.Tyr22fs; shifts the reading frame from tyrosine 22.
Molecular consequence: frameshift variant. On other transcripts: 5 prime UTR variant (2), non-coding transcript variant (4).
Genome position (GRCh38, 1-based): chr1:100,240,872, A deleted on the plus strand (T on the coding strand, the reverse complement: DBT is on the minus strand). VCF-style (leftmost placement, unchanged base first): chr1-100240871-TA-T. GRCh37 (hg19) VCF-style: chr1-100706427-TA-T.
Other names: c.-480del (NM_001399969.1, NM_001399972.1); short protein forms Y22fs.
Identifiers: ClinVar variation 5012563 (VCV005012563.1).